The following is an entry in ClinVar:

NM_130839.5(UBE3A):c.1604T>G (p.Val535Gly)

Genes: SNHG14 (small nucleolar RNA host gene 14; plus strand), UBE3A (ubiquitin protein ligase E3A; minus strand). Cytogenetic location: 15q11.2.
Variant type: single nucleotide variant.
Coding change: c.1604T>G on transcript NM_130839.5 (MANE Select); coding-DNA position 1604, T replaced by G.
Protein change: p.Val535Gly; replaces valine 535 with glycine.
Molecular consequence: missense variant. On other transcripts: non-coding transcript variant (1), intron variant (2).
Genome position (GRCh38, 1-based): chr15:25,370,570, A>C on the plus strand (T>G on the coding strand, the complement: UBE3A is on the minus strand). VCF-style: chr15-25370570-A-C. GRCh37 (hg19) VCF-style: chr15-25615717-A-C.
Other names: c.1613T>G, p.Val538Gly (NM_000462.5); c.1604T>G, p.Val535Gly (NM_001354505.1, NM_001354538.2, NM_001354545.2); c.1544T>G, p.Val515Gly (NM_001354506.2, NM_001354507.2, NM_001354508.2 and 17 more transcripts); c.1427T>G, p.Val476Gly (NM_001354546.2); c.301+4895T>G (NM_001354551.2); c.361+4895T>G (NM_001354550.2); short protein forms V476G, V515G, V538G, V535G.
Identifiers: ClinVar variation 3646148 (VCV003646148.2).

ClinVar aggregate classification (germline): Uncertain significance (1 of 4 stars; one submission).

Conditions:
Angelman syndrome (AS). Also called: HAPPY PUPPET SYNDROME. Identifiers: Orphanet 72, MedGen C0162635, MONDO:0007113, OMIM 105830. Disease mechanism: loss of function. Inheritance: AS is caused by disruption of maternally imprinted UBE3A located within the 15q11.2-q13 Angelman syndrome/Prader-Willi syndrome (AS/PWS) region., imprinting disorder.

Submission:

Labcorp Genetics (formerly Invitae), Labcorp
Classification: Uncertain significance for Angelman syndrome. Last evaluated: 2024-03-16. Review status: criteria provided, single submitter. Criteria: Invitae Variant Classification Sherloc (09022015). Collection method: clinical testing. Allele origin: germline.
Comment: This sequence change replaces valine, which is neutral and non-polar, with glycine, which is neutral and non-polar, at codon 515 of the UBE3A protein (p.Val515Gly). This variant is not present in population databases (gnomAD no frequency). This variant has not been reported in the literature in individuals affected with UBE3A-related conditions. Advanced modeling of protein sequence and biophysical properties (such as structural, functional, and spatial information, amino acid conservation, physicochemical variation, residue mobility, and thermodynamic stability) performed at Invitae indicates that this missense variant is expected to disrupt UBE3A protein function with a positive predictive value of 95%. In summary, the available evidence is currently insufficient to determine the role of this variant in disease. Therefore, it has been classified as a Variant of Uncertain Significance.